The following is an entry in ClinVar:

ClinVar aggregate classification (germline): Uncertain significance (1 of 4 stars; one submission).

Submission:

GeneDx
Classification: Uncertain significance. Last evaluated: 2023-07-25. Review status: criteria provided, single submitter. Criteria: GeneDx Variant Classification Process June 2021. Collection method: clinical testing. Allele origin: germline. Affected: yes.
Comment: Not observed at significant frequency in large population cohorts (gnomAD); In-frame duplication of 3 amino acids in a non-repeat region; Has not been previously published as pathogenic or benign to our knowledge

NM_001958.5(EEF1A2):c.1366CAGAAGGCG[3] (p.Ala461_Gly462insGlnLysAla)

Gene: EEF1A2 (eukaryotic translation elongation factor 1 alpha 2; minus strand). Cytogenetic location: 20q13.33.
Variant type: Microsatellite.
Coding change: c.1366CAGAAGGCG[3] on transcript NM_001958.5 (MANE Select); three copies in a row of the 9-base unit CAGAAGGCG starting at c.1366; the reference has two copies in a row; one copy, 9 bases duplicated.
Protein change: p.Ala461_Gly462insGlnLysAla.
Genome position (GRCh38, 1-based): chr20:63,488,307-63,488,315, CGCCTTCTG duplicated on the plus strand (CAGAAGGCG on the coding strand, the reverse complement: EEF1A2 is on the minus strand); duplicating any 9 consecutive bases within chr20:63,488,307-63,488,328 gives the same sequence; the position shown is the placement nearest the transcript's 3' end. VCF-style (leftmost placement, unchanged base first): chr20-63488306-C-CCGCCTTCTG. GRCh37 (hg19) VCF-style: chr20-62119659-C-CCGCCTTCTG.
Identifiers: ClinVar variation 3361623 (VCV003361623.1).